The following is an entry in ClinVar:

ClinVar aggregate classification (germline): Benign (1 of 4 stars; one submission).

gnomAD v4.1: 35 of 398,558 alleles (0.0088%); highest among the groups gnomAD compares: South Asian, 0.025%; no homozygotes.

Submission:

CeGaT Center for Human Genetics Tuebingen
Classification: Benign. Last evaluated: 2026-07-01. Review status: criteria provided, single submitter. Criteria: CeGaT Center For Human Genetics Tuebingen Variant Classification Criteria Version 2. Collection method: clinical testing. Allele origin: germline. Affected: yes. Observed: 1 variant allele.
Comment: KCNQ1OT1: BS1, BS2

NM_000218.3(KCNQ1):c.1514+13612C>T

Genes: KCNQ1 (potassium voltage-gated channel subfamily Q member 1; plus strand), KCNQ1OT1 (KCNQ1 opposite strand/antisense transcript 1; minus strand). Cytogenetic location: 11p15.5.
Variant type: single nucleotide variant.
Coding change: c.1514+13612C>T on transcript NM_000218.3 (MANE Select); 13612 bases into the intron after coding-DNA position 1514, C replaced by T.
Molecular consequence: intron variant. On other transcripts: non-coding transcript variant (1).
Genome position (GRCh38, 1-based): chr11:2,675,693, C>T. VCF-style: chr11-2675693-C-T. GRCh37 (hg19) VCF-style: chr11-2696923-C-T.
Other names: c.1244+13612C>T (NM_001406837.1); c.1418+13612C>T (NM_001406836.1); c.974+13612C>T (NM_001406838.1); c.1133+13612C>T (NM_181798.2).
Identifiers: ClinVar variation 5039595 (VCV005039595.1).